The following is an entry in ClinVar:

ClinVar aggregate classification (germline): Uncertain significance (1 of 4 stars; one submission).

Submission:

Labcorp Genetics (formerly Invitae), Labcorp
Classification: Uncertain significance. Last evaluated: 2024-03-28. Review status: criteria provided, single submitter. Criteria: Invitae Variant Classification Sherloc (09022015). Collection method: clinical testing. Allele origin: germline.
Comment: This sequence change replaces alanine, which is neutral and non-polar, with serine, which is neutral and polar, at codon 448 of the SULF1 protein (p.Ala448Ser). This variant is not present in population databases (gnomAD no frequency). This variant has not been reported in the literature in individuals affected with SULF1-related conditions. Algorithms developed to predict the effect of missense changes on protein structure and function output the following: SIFT: "Not Available"; PolyPhen-2: "Benign"; Align-GVGD: "Not Available". The serine amino acid residue is found in multiple mammalian species, which suggests that this missense change does not adversely affect protein function. In summary, the available evidence is currently insufficient to determine the role of this variant in disease. Therefore, it has been classified as a Variant of Uncertain Significance.

NM_001128205.2(SULF1):c.1342G>T (p.Ala448Ser)

Gene: SULF1 (sulfatase 1; plus strand). Cytogenetic location: 8q13.3.
Variant type: single nucleotide variant.
Coding change: c.1342G>T on transcript NM_001128205.2 (MANE Select); coding-DNA position 1342, G replaced by T.
Protein change: p.Ala448Ser; replaces alanine 448 with serine.
Molecular consequence: missense variant. On other transcripts: 5 prime UTR variant (1), non-coding transcript variant (7).
Genome position (GRCh38, 1-based): chr8:69,604,897, G>T. VCF-style: chr8-69604897-G-T. GRCh37 (hg19) VCF-style: chr8-70517132-G-T.
Other names: c.1342G>T, p.Ala448Ser (NM_001128204.2, NM_001128206.2, NM_001412828.1 and 9 more transcripts); c.1213G>T, p.Ala405Ser (NM_001412832.1, NM_001412838.1, NM_001412839.1 and 1 more transcripts); c.1285G>T, p.Ala429Ser (NM_001412836.1, NM_001412837.1); c.1156G>T, p.Ala386Ser (NM_001412841.1, NM_001412842.1); c.742G>T, p.Ala248Ser (NM_001412844.1, NM_001412845.1); c.-450G>T (NM_001412846.1); short protein forms A248S, A386S, A405S, A429S, A448S.
Identifiers: ClinVar variation 3619828 (VCV003619828.2).